The following is an entry in ClinVar:

ClinVar aggregate classification (germline): Conflicting classifications of pathogenicity. Review status: criteria provided, conflicting classifications (1 of 4 stars). 2 submissions from 2 submitters: Uncertain significance (1); Likely benign (1). Last evaluated 2026-05-26.

Conditions:
Long QT syndrome (LQTS). Identifiers: MedGen C0023976, MeSH D008133, MONDO:0002442. Disease mechanism: loss of function. Inheritance: Various modes of inheritance.
Cardiovascular phenotype. Identifiers: MedGen CN230736.

Allele frequency attached by ClinVar (database versions not stated): TOPMed 0.00001; gnomAD exomes below 0.00001.
gnomAD v4.1: 1 of 1,614,188 alleles (0.000062%); highest among the groups gnomAD compares: African/African-American, 0.0013%; no homozygotes.

Submissions (2):

Ambry Genetics
Classification: Uncertain significance for Cardiovascular phenotype. Last evaluated: 2026-05-26. Review status: criteria provided, single submitter. Criteria: Ambry Variant Classification Scheme 2023. Collection method: clinical testing. Allele origin: germline.
Comment: The c.4349G>A (p.S1450N) alteration is located in exon 35 (coding exon 35) of the CACNA1C gene. This alteration results from a G to A substitution at nucleotide position 4349, causing the serine (S) at amino acid position 1450 to be replaced by an asparagine (N). Based on data from gnomAD, the A allele has an overall frequency of <0.001% (1/250498) total alleles studied. The highest observed frequency was 0.006% (1/15928) of African alleles. Based on insufficient or conflicting evidence, the clinical significance of this alteration remains unclear.

Labcorp Genetics (formerly Invitae), Labcorp
Classification: Likely benign for Long QT syndrome. Last evaluated: 2024-06-21. Review status: criteria provided, single submitter. Criteria: Invitae Variant Classification Sherloc (09022015). Collection method: clinical testing. Allele origin: germline.

NM_000719.7(CACNA1C):c.4349G>A (p.Ser1450Asn)

Gene: CACNA1C (calcium voltage-gated channel subunit alpha1 C; plus strand). Cytogenetic location: 12p13.33.
Variant type: single nucleotide variant.
Coding change: c.4349G>A on transcript NM_000719.7 (MANE Select); coding-DNA position 4349, G replaced by A.
Protein change: p.Ser1450Asn; replaces serine 1450 with asparagine.
Molecular consequence: missense variant.
Genome position (GRCh38, 1-based): chr12:2,664,941, G>A. VCF-style: chr12-2664941-G-A. GRCh37 (hg19) VCF-style: chr12-2774107-G-A.
Other names: c.4493G>A, p.Ser1498Asn (NM_001129827.2, NM_199460.4); c.4415G>A, p.Ser1472Asn (NM_001129829.2); c.4349G>A, p.Ser1450Asn (NM_001129830.3, NM_001129833.2, NM_001129834.2 and 7 more transcripts); c.4433G>A, p.Ser1478Asn (NM_001129831.2); c.4409G>A, p.Ser1470Asn (NM_001129832.2); c.4400G>A, p.Ser1467Asn (NM_001129836.2); c.4316G>A, p.Ser1439Asn (NM_001129837.2, NM_001129838.2, NM_001129846.2 and 1 more transcripts); c.4310G>A, p.Ser1437Asn (NM_001129839.2); and 1 more; short protein forms S1439N, S1437N, S1467N, S1478N, S1447N, S1450N, S1470N, S1472N.
Identifiers: ClinVar variation 851747 (VCV000851747.14), dbSNP rs1009822245, ClinGen allele CA231598050.